The following is an entry in ClinVar:

NM_052844.4(DYNC2I2):c.871_873del (p.Thr291del)

Genes: DYNC2I2 (dynein 2 intermediate chain 2; minus strand), LOC126860772 (CDK7 strongly-dependent group 2 enhancer GRCh37_chr9:131396972-131398171; plus strand). Cytogenetic location: 9q34.11.
Variant type: Deletion.
Coding change: c.871_873del on transcript NM_052844.4 (MANE Select); coding-DNA positions 871 to 873, 3 bases deleted (ACC; older notation c.871_873delACC).
Protein change: p.Thr291del; deletes threonine 291.
Molecular consequence: inframe deletion.
Genome position (GRCh38, 1-based): chr9:128,635,200-128,635,202, GGT deleted on the plus strand (ACC on the coding strand, the reverse complement: DYNC2I2 is on the minus strand); deleting any 3 consecutive bases within chr9:128,635,200-128,635,204 gives the same sequence; the c. name uses the placement nearest the transcript's 3' end. VCF-style (leftmost placement, unchanged base first): chr9-128635199-CGGT-C. GRCh37 (hg19) VCF-style: chr9-131397478-CGGT-C.
Other names: short protein forms T291del.
Identifiers: ClinVar variation 2865959 (VCV002865959.3), dbSNP rs775547736, ClinGen allele CA200418924.

ClinVar aggregate classification (germline): Uncertain significance (1 of 4 stars; one submission).

Conditions:
Short-rib thoracic dysplasia 11 with or without polydactyly (SRTD11). Also called: SHORT-RIB THORACIC DYSPLASIA 11 WITHOUT POLYDACTYLY. Identifiers: Orphanet 474, Orphanet 93271, MedGen C3810200, MONDO:0014287, OMIM 615633.

Submission:

Labcorp Genetics (formerly Invitae), Labcorp
Classification: Uncertain significance for Short-rib thoracic dysplasia 11 with or without polydactyly. Last evaluated: 2023-04-21. Review status: criteria provided, single submitter. Criteria: Invitae Variant Classification Sherloc (09022015). Collection method: clinical testing. Allele origin: germline.
Comment: This variant, c.871_873del, results in the deletion of 1 amino acid(s) of the WDR34 protein (p.Thr291del), but otherwise preserves the integrity of the reading frame. This variant is present in population databases (rs775547736, gnomAD 0.002%). This variant has not been reported in the literature in individuals affected with WDR34-related conditions. Experimental studies and prediction algorithms are not available or were not evaluated, and the functional significance of this variant is currently unknown. In summary, the available evidence is currently insufficient to determine the role of this variant in disease. Therefore, it has been classified as a Variant of Uncertain Significance.